The following is an entry in ClinVar:

NM_001184.4(ATR):c.1151G>C (p.Gly384Ala)

Gene: ATR (ATR checkpoint kinase; minus strand). Cytogenetic location: 3q23.
Variant type: single nucleotide variant.
Coding change: c.1151G>C on transcript NM_001184.4 (MANE Select); coding-DNA position 1151, G replaced by C.
Protein change: p.Gly384Ala; replaces glycine 384 with alanine.
Molecular consequence: missense variant.
Genome position (GRCh38, 1-based): chr3:142,562,251, C>G on the plus strand (G>C on the coding strand, the complement: ATR is on the minus strand). VCF-style: chr3-142562251-C-G. GRCh37 (hg19) VCF-style: chr3-142281093-C-G.
Other names: c.1151G>C, p.Gly384Ala (NM_001354579.2); short protein forms G384A.
Identifiers: ClinVar variation 2453521 (VCV002453521.2), dbSNP rs2108486796, ClinGen allele CA354823558.

ClinVar aggregate classification (germline): Uncertain significance (1 of 4 stars; one submission).

Conditions:
Inborn genetic diseases. Identifiers: MedGen C0950123, MeSH D030342.

Submission:

Ambry Genetics
Classification: Uncertain significance for Inborn genetic diseases. Last evaluated: 2022-11-17. Review status: criteria provided, single submitter. Criteria: Ambry Variant Classification Scheme 2023. Collection method: clinical testing. Allele origin: germline.
Comment: The p.G384A variant (also known as c.1151G>C), located in coding exon 4 of the ATR gene, results from a G to C substitution at nucleotide position 1151. The glycine at codon 384 is replaced by alanine, an amino acid with similar properties. This amino acid position is conserved. In addition, the in silico prediction for this alteration is inconclusive. Since supporting evidence is limited at this time, the clinical significance of this alteration remains unclear.